The following is an entry in ClinVar:

NM_000512.5(GALNS):c.*36G>A

Gene: GALNS (galactosamine (N-acetyl)-6-sulfatase; minus strand). Cytogenetic location: 16q24.3.
Variant type: single nucleotide variant.
Coding change: c.*36G>A on transcript NM_000512.5 (MANE Select); 36 bases downstream of the stop codon, G replaced by A.
Molecular consequence: 3 prime UTR variant.
Genome position (GRCh38, 1-based): chr16:88,814,403, C>T on the plus strand (G>A on the coding strand, the complement: GALNS is on the minus strand). VCF-style: chr16-88814403-C-T. GRCh37 (hg19) VCF-style: chr16-88880811-C-T.
Other names: c.*36G>A (NM_001323543.2, NM_001323544.2).
Identifiers: ClinVar variation 256330 (VCV000256330.12), dbSNP rs11076715, ClinGen allele CA8234627.
Genomic context (GRCh38, chr16:88,814,403, plus strand): 5'-CAGGGTTGGGGGAGGACCGAGGCCAGAGCCATCCTTCCTCCAGGCACTTGCAGGGCCAAC[C>T]GGAGATTCTAGGCCTGGCCTGAGTCTGCGCAGGTGCTAGTGGGACCAGAGGCACTTCTTG-3'

ClinVar aggregate classification (germline): Benign. Review status: criteria provided, multiple submitters, no conflicts (2 of 4 stars). 5 submissions from 5 submitters: Benign (5). Last evaluated 2021-11-07.

Conditions:
Mucopolysaccharidosis, MPS-IV-A (MPS4A). Also called: Mucopolysaccharidosis type IV A; Mucopolysaccharidosis Type IVA; GALACTOSAMINE-6-SULFATASE DEFICIENCY; GALNS DEFICIENCY; MORQUIO A DISEASE; mucopolysaccharidosis type 4A. Identifiers: Orphanet 309297, Orphanet 582, MedGen C0086651, MONDO:0009659, OMIM 253000.

Allele frequency attached by ClinVar (database versions not stated): ESP Exome Variant Server 0.21392; gnomAD 0.23846 and 0.24209; 1000 Genomes Project 30x 0.27733; gnomAD exomes 0.28097 and 0.26160; 1000 Genomes Project 0.28574; TOPMed 0.24346; ExAC 0.25491.
gnomAD v4.1: 403,658 of 1,549,698 alleles (26%); highest among the groups gnomAD compares: East Asian, 55%; 55,279 homozygotes.

Submissions (5):

Genome-Nilou Lab
Classification: Benign for Mucopolysaccharidosis, MPS-IV-A. Last evaluated: 2021-11-07. Review status: criteria provided, single submitter. Criteria: ACMG Guidelines, 2015. Collection method: clinical testing. Allele origin: germline. Affected: no.

GeneDx
Classification: Benign. Last evaluated: 2019-04-12. Review status: criteria provided, single submitter. Criteria: GeneDx Variant Classification Process June 2021. Collection method: clinical testing. Allele origin: germline. Affected: yes.

Illumina Laboratory Services, Illumina
Classification: Benign for Mucopolysaccharidosis, MPS-IV-A. Last evaluated: 2018-01-13. Review status: criteria provided, single submitter. Criteria: ICSL Variant Classification Criteria 13 December 2019. Collection method: clinical testing. Allele origin: germline.
Comment: This variant was observed in the ICSL laboratory as part of a predisposition screen in an ostensibly healthy population. It had not been previously curated by ICSL or reported in the Human Gene Mutation Database (HGMD: prior to June 1st, 2018), and was therefore a candidate for classification through an automated scoring system. Utilizing variant allele frequency, disease prevalence and penetrance estimates, and inheritance mode, an automated score was calculated to assess if this variant is too frequent to cause the disease. Based on the score and internal cut-off values, a variant classified as benign is not then subjected to further curation. The score for this variant resulted in a classification of benign for this disease.

Breakthrough Genomics
Classification: Benign. Review status: criteria provided, single submitter. Criteria: ACMG Guidelines, 2015. Collection method: not provided. Allele origin: germline. Inheritance: Autosomal recessive inheritance. Affected: yes.

PreventionGenetics, part of Exact Sciences
Classification: Benign. Review status: criteria provided, single submitter. Criteria: ACMG Guidelines, 2015. Collection method: clinical testing. Allele origin: germline.